The following is an entry in ClinVar:

NM_152564.5(VPS13B):c.9331_9332insTTTTTTTTTTTTTTTTTTT (p.Tyr3111fs)

Gene: VPS13B (vacuolar protein sorting 13 homolog B; plus strand). Cytogenetic location: 8q22.2.
Variant type: Insertion.
Coding change: c.9331_9332insTTTTTTTTTTTTTTTTTTT on transcript NM_152564.5 (MANE Select); coding-DNA positions 9331 to 9332, TTTTTTTTTTTTTTTTTTT inserted.
Protein change: p.Tyr3111fs; shifts the reading frame from tyrosine 3111.
Molecular consequence: frameshift variant.
Genome position: GRCh38 VCF-style: chr8-99832368-G-GTTTTTTTTTTTTTTTTTTT. GRCh37 (hg19) VCF-style: chr8-100844596-G-GTTTTTTTTTTTTTTTTTTT.
Other names: c.9406_9407insTTTTTTTTTTTTTTTTTTT, p.Tyr3136fs (NM_017890.5); short protein forms Y3111fs, Y3136fs.
Identifiers: ClinVar variation 4819963 (VCV004819963.1).

ClinVar aggregate classification (germline): Uncertain significance (1 of 4 stars; one submission).

Conditions:
Fetal anomalies with a likely genetic cause.

Submission:

Genetics Laboratory, Great Ormond Street Hospital NHS Foundation Trust, North Thames Genomic Laboratory Hub
Classification: Uncertain significance for Fetal anomalies with a likely genetic cause. Last evaluated: 2026-02-09. Review status: criteria provided, single submitter. Criteria: ACGS Best Practice Guidelines for Variant Classification in Rare Disease 2024 v1.2. Collection method: clinical testing. Allele origin: germline. Affected: yes.
Comment: PVS1_very-strong